The following is an entry in ClinVar:

ClinVar aggregate classification (germline): Conflicting classifications of pathogenicity. Review status: criteria provided, conflicting classifications (1 of 4 stars). 3 submissions from 3 submitters: Uncertain significance (1); Likely benign (1). 1 of the submissions does not count toward it. Last evaluated 2026-05-01.

Conditions:
Radial aplasia-thrombocytopenia syndrome (TAR). Also called: TAR syndrome; Thrombocytopenia Absent Radius Syndrome. Identifiers: Orphanet 3320, MedGen C0175703, MeSH C536940, MONDO:0010121, OMIM 274000.
GPR89B-related condition.

Submissions (3):

CeGaT Center for Human Genetics Tuebingen
Classification: Likely benign. Last evaluated: 2026-05-01. Review status: criteria provided, single submitter. Criteria: CeGaT Center For Human Genetics Tuebingen Variant Classification Criteria Version 2. Collection method: clinical testing. Allele origin: germline. Affected: yes. Observed: 5 variant alleles.
Comment: GNRHR2: BS2

Department of Pathology and Laboratory Medicine, Sinai Health System
Classification: Uncertain significance for GPR89B-related condition. Last evaluated: 2023-07-11. Review status: criteria provided, single submitter. Criteria: ACMG Guidelines, 2015. Collection method: research. Allele origin: germline.

Clinical Genetics Branch, National Institutes of Health
Classification: Likely pathogenic for Radial aplasia-thrombocytopenia syndrome. Last evaluated: 2019-09-16. Review status: no assertion criteria provided. Collection method: research. Allele origin: germline. Inheritance: Autosomal recessive inheritance. Affected: yes. Observed: 1 hemizygote. Not counted in ClinVar's aggregate classification.
Comment: The 1q21.1 TAR-associated deletion in combination with the G variant of rs61746197 on the non-deleted allele is associated with a TAR-like phenotype. rs61746197 G could be a functional enhancer/repressor element but more studies are required to identify the specific factor(s) responsible. Overall, our findings suggest a role of rs61746197 A>G and human disease in the setting of a 1q21.1 deletion on the other chromosome.

NR_002328.4:n.683T>C

Variant type: single nucleotide variant.
Molecular consequence: non-coding transcript variant (on NR_002328.4).
Genome position: GRCh38 VCF-style: chr1-145919695-T-C. GRCh37 (hg19) VCF-style: chr1-145515394-A-G.
Identifiers: ClinVar variation 694601 (VCV000694601.11), dbSNP rs61746197, ClinGen allele CA1055447.